The following is an entry in ClinVar:

NM_001127222.2(CACNA1A):c.5649C>T (p.Pro1883=)

Gene: CACNA1A (calcium voltage-gated channel subunit alpha1 A; minus strand). Cytogenetic location: 19p13.13.
Variant type: single nucleotide variant.
Coding change: c.5649C>T on transcript NM_001127222.2 (MANE Select); coding-DNA position 5649, C replaced by T.
Protein change: p.Pro1883=; no amino-acid change (proline 1883 retained).
Molecular consequence: synonymous variant.
Genome position (GRCh38, 1-based): chr19:13,224,749, G>A on the plus strand (C>T on the coding strand, the complement: CACNA1A is on the minus strand). VCF-style: chr19-13224749-G-A. GRCh37 (hg19) VCF-style: chr19-13335563-G-A.
Other names: p.Pro1884=; c.5652C>T (NM_000068.2); c.5667C>T, p.Pro1889= (NM_000068.4, NM_023035.3); c.5652C>T, p.Pro1884= (NM_001127221.2); c.5658C>T, p.Pro1886= (NM_001174080.2).
Identifiers: ClinVar variation 2139905 (VCV002139905.29), dbSNP rs61741139, ClinGen allele CA505660365.

ClinVar aggregate classification (germline): Likely benign. Review status: criteria provided, multiple submitters, no conflicts (2 of 4 stars). 6 submissions from 6 submitters: Likely benign (6). Last evaluated 2026-04-01.

Conditions:
Developmental and epileptic encephalopathy, 42 (DEE42A). Also called: Epileptic encephalopathy, early infantile, 42; DEVELOPMENTAL AND EPILEPTIC ENCEPHALOPATHY 42A; EPILEPTIC ENCEPHALOPATHY, EARLY INFANTILE, 42A. Identifiers: MedGen C4310716, MONDO:0014917, OMIM 617106.
Episodic ataxia type 2 (EA2). Also called: ACETAZOLAMIDE-RESPONSIVE HEREDITARY PAROXYSMAL CEREBELLAR ATAXIA; ATAXIA, EPISODIC, WITH NYSTAGMUS; ATAXIA, FAMILIAL PAROXYSMAL; CEREBELLAR ATAXIA, PAROXYSMAL, ACETAZOLAMIDE-RESPONSIVE; CEREBELLOPATHY, HEREDITARY PAROXYSMAL; EPISODIC ATAXIA, NYSTAGMUS-ASSOCIATED. Identifiers: Orphanet 97, MedGen C1720416, MONDO:0007163, OMIM 108500.

Allele frequency attached by ClinVar (database versions not stated): 1000 Genomes Project 30x 0.00016.
gnomAD v4.1: 22 of 1,609,700 alleles (0.0014%); highest among the groups gnomAD compares: Middle Eastern, 0.017%; no homozygotes.

Submissions (6):

Women's Health and Genetics/Laboratory Corporation of America, LabCorp
Classification: Likely benign. Last evaluated: 2026-04-01. Review status: criteria provided, single submitter. Criteria: LabCorp Variant Classification Summary - May 2015. Collection method: clinical testing. Allele origin: germline.

Mayo Clinic Laboratories, Mayo Clinic
Classification: Likely benign. Last evaluated: 2025-06-27. Review status: criteria provided, single submitter. Criteria: ACMG Guidelines, 2015. Collection method: clinical testing. Allele origin: germline. Observed: 1 variant allele.
Comment: BP4, BP7

Athena Diagnostics
Classification: Likely benign. Last evaluated: 2024-12-19. Review status: criteria provided, single submitter. Criteria: Athena Diagnostics Criteria. Collection method: clinical testing. Allele origin: unknown.
Comment: Computational tools yielded predictions that this variant is unlikely to have an effect on normal RNA splicing. This nucleotide position exhibits low evolutionary conservation.

Labcorp Genetics (formerly Invitae), Labcorp
Classification: Likely benign for Developmental and epileptic encephalopathy, 42; Episodic ataxia type 2. Last evaluated: 2024-12-03. Review status: criteria provided, single submitter. Criteria: Invitae Variant Classification Sherloc (09022015). Collection method: clinical testing. Allele origin: germline.

CeGaT Center for Human Genetics Tuebingen
Classification: Likely benign. Last evaluated: 2023-12-01. Review status: criteria provided, single submitter. Criteria: CeGaT Center For Human Genetics Tuebingen Variant Classification Criteria Version 2. Collection method: clinical testing. Allele origin: germline. Affected: yes. Observed: 1 variant allele.
Comment: CACNA1A: BP4, BP7

Blueprint Genetics
Classification: Likely benign. Last evaluated: 2018-07-11. Review status: criteria provided, single submitter. Criteria: ACMG Guidelines, 2015. Collection method: clinical testing. Allele origin: germline.